The following is an entry in ClinVar:

NM_020433.5(JPH2):c.1088_1089delinsAA (p.Arg363Gln)

Gene: JPH2 (junctophilin 2; minus strand). Cytogenetic location: 20q13.12.
Variant type: Indel.
Coding change: c.1088_1089delinsAA on transcript NM_020433.5 (MANE Select); coding-DNA positions 1088 to 1089, GC replaced by AA.
Protein change: p.Arg363Gln; replaces arginine 363 with glutamine.
Molecular consequence: missense variant.
Genome position (GRCh38, 1-based): chr20:44,159,698-44,159,699, GC replaced by TT on the plus strand (GC replaced by AA on the coding strand, the reverse complement: JPH2 is on the minus strand). VCF-style: chr20-44159698-GC-TT. GRCh37 (hg19) VCF-style: chr20-42788338-GC-TT.
Other names: short protein forms R363Q.
Identifiers: ClinVar variation 4753803 (VCV004753803.1).

ClinVar aggregate classification (germline): Uncertain significance (1 of 4 stars; one submission).

Conditions:
Hypertrophic cardiomyopathy. Also called: HYPERTROPHIC MYOCARDIOPATHY. Identifiers: Orphanet 217569, MedGen C0007194, MeSH D002312, MONDO:0005045, HP:0001639.

Submission:

Labcorp Genetics (formerly Invitae), Labcorp
Classification: Uncertain significance for Hypertrophic cardiomyopathy. Last evaluated: 2025-03-26. Review status: criteria provided, single submitter. Criteria: Invitae Variant Classification Sherloc (09022015). Collection method: clinical testing. Allele origin: germline.
Comment: This sequence change replaces arginine, which is basic and polar, with glutamine, which is neutral and polar, at codon 363 of the JPH2 protein (p.Arg363Gln). Information on the frequency of this variant in the gnomAD database is not available, as this variant may be reported differently in the database. This variant has not been reported in the literature in individuals affected with JPH2-related conditions. An algorithm developed to predict the effect of missense changes on protein structure and function (PolyPhen-2) suggests that this variant is likely to be disruptive. In summary, the available evidence is currently insufficient to determine the role of this variant in disease. Therefore, it has been classified as a Variant of Uncertain Significance.